The following is an entry in ClinVar:

NM_001277115.2(DNAH11):c.11113T>C (p.Tyr3705His)

Gene: DNAH11 (dynein axonemal heavy chain 11; plus strand). Cytogenetic location: 7p15.3.
Variant type: single nucleotide variant.
Coding change: c.11113T>C on transcript NM_001277115.2 (MANE Select); coding-DNA position 11113, T replaced by C.
Protein change: p.Tyr3705His; replaces tyrosine 3705 with histidine.
Molecular consequence: missense variant.
Genome position (GRCh38, 1-based): chr7:21,854,366, T>C. VCF-style: chr7-21854366-T-C. GRCh37 (hg19) VCF-style: chr7-21893984-T-C.
Other names: short protein forms Y3705H.
Identifiers: ClinVar variation 579908 (VCV000579908.9), dbSNP rs1562585554, ClinGen allele CA366959921.

ClinVar aggregate classification (germline): Uncertain significance (1 of 4 stars; one submission).

Conditions:
Primary ciliary dyskinesia. Also called: Ciliary dyskinesia. Identifiers: Orphanet 244, MedGen C0008780, MONDO:0016575, HP:0012265.

Submission:

Labcorp Genetics (formerly Invitae), Labcorp
Classification: Uncertain significance for Primary ciliary dyskinesia. Last evaluated: 2020-02-07. Review status: criteria provided, single submitter. Criteria: Invitae Variant Classification Sherloc (09022015). Collection method: clinical testing. Allele origin: germline.
Comment: This variant has not been reported in the literature in individuals with DNAH11-related disease. In summary, the available evidence is currently insufficient to determine the role of this variant in disease. Therefore, it has been classified as a Variant of Uncertain Significance. Algorithms developed to predict the effect of missense changes on protein structure and function (SIFT, PolyPhen-2, Align-GVGD) all suggest that this variant is likely to be disruptive, but these predictions have not been confirmed by published functional studies and their clinical significance is uncertain. This variant is not present in population databases (ExAC no frequency). This sequence change replaces tyrosine with histidine at codon 3705 of the DNAH11 protein (p.Tyr3705His). The tyrosine residue is highly conserved and there is a moderate physicochemical difference between tyrosine and histidine.